The following is an entry in ClinVar:

ClinVar aggregate classification (germline): Benign/Likely benign. Review status: criteria provided, multiple submitters, no conflicts (2 of 4 stars). 7 submissions from 7 submitters: Benign (6); Likely benign (1). Last evaluated 2026-02-04.

Conditions:
Increased analgesia from kappa-opioid receptor agonist, female-specific. Identifiers: MedGen C2751296, OMIM 613098.
Tyrosinase-positive oculocutaneous albinism (OCA2). Also called: ALBINISM II; Oculocutaneous albinism type 2; Albinism, oculocutaneous, type II. Identifiers: Orphanet 79432, MedGen C0268495, MONDO:0008746, OMIM 203200.
SKIN/HAIR/EYE PIGMENTATION, VARIATION IN, 2 (SHEP2). Also called: BLOND HAIR/FAIR SKIN; RED HAIR COLOR; HAIR COLOR 2. Identifiers: MedGen C1849452, OMIM 266300.
Melanoma, cutaneous malignant, susceptibility to, 5. Also called: Cutaneous malignant melanoma 5. Identifiers: Orphanet 618, MedGen C2751295, MONDO:0013133, OMIM 613099.

Allele frequency attached by ClinVar (database versions not stated): ESP Exome Variant Server 0.03707; gnomAD 0.08396 and 0.09197; TOPMed 0.09575; ExAC 0.13583; gnomAD exomes 0.15154; 1000 Genomes Project 30x 0.18270; 1000 Genomes Project 0.19129.

Submissions (7):

Labcorp Genetics (formerly Invitae), Labcorp
Classification: Benign for Melanoma, cutaneous malignant, susceptibility to, 5. Last evaluated: 2026-02-04. Review status: criteria provided, single submitter. Criteria: Invitae Variant Classification Sherloc (09022015). Collection method: clinical testing. Allele origin: germline.

Mayo Clinic Laboratories, Mayo Clinic
Classification: Likely benign. Last evaluated: 2024-11-21. Review status: criteria provided, single submitter. Criteria: ACMG Guidelines, 2015. Collection method: clinical testing. Allele origin: germline. Observed: 24 variant alleles.
Comment: BA1

Fulgent Genetics
Classification: Benign for Tyrosinase-positive oculocutaneous albinism; SKIN/HAIR/EYE PIGMENTATION, VARIATION IN, 2; Increased analgesia from kappa-opioid receptor agonist, female-specific; Melanoma, cutaneous malignant, susceptibility to, 5. Last evaluated: 2022-04-14. Review status: criteria provided, single submitter. Criteria: ACMG Guidelines, 2015. Collection method: clinical testing. Allele origin: unknown.

GeneDx
Classification: Benign. Last evaluated: 2018-06-22. Review status: criteria provided, single submitter. Criteria: GeneDx Variant Classification Process June 2021. Collection method: clinical testing. Allele origin: germline. Affected: yes.
Comment: This variant is associated with the following publications: (PMID: 22547573, 30414346, 30531825, 29178624, 11487574, 21052032, 24335900, 22854540, 18366057, 17616515, 11875032, 23711066, 24660985, 23647022, 22464597)

Illumina Laboratory Services, Illumina
Classification: Benign for Melanoma, cutaneous malignant, susceptibility to, 5. Last evaluated: 2017-04-27. Review status: criteria provided, single submitter. Criteria: ICSL Variant Classification Criteria 13 December 2019. Collection method: clinical testing. Allele origin: germline.
Comment: This variant was observed as part of a predisposition screen in an ostensibly healthy population. A literature search was performed for the gene, cDNA change, and amino acid change (where applicable). Publications were found based on this search. The evidence from the literature, in combination with allele frequency data from public databases where available, was sufficient to rule this variant out of causing disease. Therefore, this variant is classified as benign.

Breakthrough Genomics
Classification: Benign. Review status: criteria provided, single submitter. Criteria: ACMG Guidelines, 2015. Collection method: not provided. Allele origin: germline. Inheritance: Autosomal recessive inheritance. Affected: yes.

PreventionGenetics, part of Exact Sciences
Classification: Benign. Review status: criteria provided, single submitter. Criteria: ACMG Guidelines, 2015. Collection method: clinical testing. Allele origin: germline.

Literature cited by the submitters: PubMed 11487574 (cited by Illumina Laboratory Services, Illumina); PubMed 17434924 (cited by Illumina Laboratory Services, Illumina); PubMed 18366057 (cited by Illumina Laboratory Services, Illumina); PubMed 11511307 (cited by Illumina Laboratory Services, Illumina); PubMed 21128237 (cited by Illumina Laboratory Services, Illumina); PubMed 17616515 (cited by Illumina Laboratory Services, Illumina).

NM_002386.4(MC1R):c.488G>A (p.Arg163Gln)

Gene: MC1R (melanocortin 1 receptor; plus strand). Cytogenetic location: 16q24.3.
Variant type: single nucleotide variant.
Coding change: c.488G>A on transcript NM_002386.4 (MANE Select); coding-DNA position 488, G replaced by A.
Protein change: p.Arg163Gln; replaces arginine 163 with glutamine.
Molecular consequence: missense variant.
Genome position (GRCh38, 1-based): chr16:89,919,746, G>A. VCF-style: chr16-89919746-G-A. GRCh37 (hg19) VCF-style: chr16-89986154-G-A.
Other names: short protein forms R163Q.
Identifiers: ClinVar variation 258652 (VCV000258652.18), dbSNP rs885479, ClinGen allele CA8255619.